The following is an entry in ClinVar:

NM_020822.3(KCNT1):c.2997C>T (p.Asp999=)

Gene: KCNT1 (potassium sodium-activated channel subfamily T member 1; plus strand). Cytogenetic location: 9q34.3.
Variant type: single nucleotide variant.
Coding change: c.2997C>T on transcript NM_020822.3 (MANE Select); coding-DNA position 2997, C replaced by T.
Protein change: p.Asp999=; no amino-acid change (aspartic acid 999 retained).
Molecular consequence: synonymous variant.
Genome position (GRCh38, 1-based): chr9:135,784,588, C>T. VCF-style: chr9-135784588-C-T. GRCh37 (hg19) VCF-style: chr9-138676434-C-T.
Other names: p.Asp999=; c.2862C>T, p.Asp954= (NM_001272003.2).
Identifiers: ClinVar variation 241302 (VCV000241302.19), dbSNP rs771951768, ClinGen allele CA5327551.

ClinVar aggregate classification (germline): Likely benign. Review status: criteria provided, multiple submitters, no conflicts (2 of 4 stars). 7 submissions from 6 submitters: Likely benign (7). Last evaluated 2025-08-15.

Conditions:
Inborn genetic diseases. Identifiers: MedGen C0950123, MeSH D030342.
Developmental and epileptic encephalopathy, 14 (DEE14). Also called: Early infantile epileptic encephalopathy 14. Identifiers: Orphanet 293181, MedGen C3554195, MONDO:0013989, OMIM 614959.
Autosomal dominant nocturnal frontal lobe epilepsy 5. Also called: CILIARY DYSKINESIA, PRIMARY, 28, WITHOUT SITUS INVERSUS; KCNT1-Related Epilepsy; CILIARY DYSKINESIA, PRIMARY, 28, WITH SITUS INVERSUS; Epilepsy, nocturnal frontal lobe, 5. Identifiers: Orphanet 98784, MedGen C3554306, MONDO:0014002, OMIM 615005.

Allele frequency attached by ClinVar (database versions not stated): gnomAD 0.00001; gnomAD exomes 0.00001 and 0.00006; TOPMed 0.00002; ExAC 0.00011.
gnomAD v4.1: 18 of 1,594,496 alleles (0.0011%); highest among the groups gnomAD compares: Admixed American, 0.031%; no homozygotes.

Submissions (7):

Labcorp Genetics (formerly Invitae), Labcorp
Classification: Likely benign for Autosomal dominant nocturnal frontal lobe epilepsy 5; Developmental and epileptic encephalopathy, 14. Last evaluated: 2025-08-15. Review status: criteria provided, single submitter. Criteria: Invitae Variant Classification Sherloc (09022015). Collection method: clinical testing. Allele origin: germline.

Women's Health and Genetics/Laboratory Corporation of America, LabCorp
Classification: Likely benign. Last evaluated: 2025-07-22. Review status: criteria provided, single submitter. Criteria: LabCorp Variant Classification Summary - May 2015. Collection method: clinical testing. Allele origin: germline.

Mayo Clinic Laboratories, Mayo Clinic
Classification: Likely benign. Last evaluated: 2025-03-26. Review status: criteria provided, single submitter. Criteria: ACMG Guidelines, 2015. Collection method: clinical testing. Allele origin: germline. Observed: 1 variant allele.
Comment: BP4, BP7

Genome-Nilou Lab
Classification: Likely benign for Developmental and epileptic encephalopathy, 14. Last evaluated: 2022-03-15. Review status: criteria provided, single submitter. Criteria: ACMG Guidelines, 2015. Collection method: clinical testing. Allele origin: germline. Affected: no.

Genome-Nilou Lab
Classification: Likely benign for Autosomal dominant nocturnal frontal lobe epilepsy 5. Last evaluated: 2022-03-15. Review status: criteria provided, single submitter. Criteria: ACMG Guidelines, 2015. Collection method: clinical testing. Allele origin: germline. Affected: no.

GeneDx
Classification: Likely benign. Last evaluated: 2017-03-27. Review status: criteria provided, single submitter. Criteria: GeneDx Variant Classification (06012015). Collection method: clinical testing. Allele origin: germline. Affected: yes.
Comment: This variant is considered likely benign or benign based on one or more of the following criteria: it is a conservative change, it occurs at a poorly conserved position in the protein, it is predicted to be benign by multiple in silico algorithms, and/or has population frequency not consistent with disease.

Ambry Genetics
Classification: Likely benign for Inborn genetic diseases. Last evaluated: 2016-09-06. Review status: criteria provided, single submitter. Criteria: Ambry Variant Classification Scheme 2023. Collection method: clinical testing. Allele origin: germline.